The following is an entry in ClinVar:

ClinVar aggregate classification (germline): Uncertain significance (1 of 4 stars; one submission).

Allele frequency attached by ClinVar (database versions not stated): gnomAD 0.00001; ESP Exome Variant Server 0.00015.
gnomAD v4.1: 22 of 1,604,480 alleles (0.0014%); highest among the groups gnomAD compares: African/African-American, 0.0027%; no homozygotes.

Submission:

Labcorp Genetics (formerly Invitae), Labcorp
Classification: Uncertain significance. Last evaluated: 2023-12-14. Review status: criteria provided, single submitter. Criteria: Invitae Variant Classification Sherloc (09022015). Collection method: clinical testing. Allele origin: germline.
Comment: This sequence change replaces serine, which is neutral and polar, with leucine, which is neutral and non-polar, at codon 370 of the PLD3 protein (p.Ser370Leu). This variant is not present in population databases (gnomAD no frequency). This variant has not been reported in the literature in individuals affected with PLD3-related conditions. An algorithm developed to predict the effect of missense changes on protein structure and function (PolyPhen-2) suggests that this variant is likely to be disruptive. In summary, the available evidence is currently insufficient to determine the role of this variant in disease. Therefore, it has been classified as a Variant of Uncertain Significance.

NM_012268.4(PLD3):c.1109C>T (p.Ser370Leu)

Gene: PLD3 (phospholipase D family member 3; plus strand). Cytogenetic location: 19q13.2.
Variant type: single nucleotide variant.
Coding change: c.1109C>T on transcript NM_012268.4 (MANE Select); coding-DNA position 1109, C replaced by T.
Protein change: p.Ser370Leu; replaces serine 370 with leucine.
Molecular consequence: missense variant.
Genome position (GRCh38, 1-based): chr19:40,376,698, C>T. VCF-style: chr19-40376698-C-T. GRCh37 (hg19) VCF-style: chr19-40882605-C-T.
Other names: c.1109C>T, p.Ser370Leu (NM_001031696.4, NM_001291311.2); short protein forms S370L.
Identifiers: ClinVar variation 2889848 (VCV002889848.3), dbSNP rs374934757, ClinGen allele CA308396295.
Genomic context (GRCh38, chr19:40,376,698, plus strand): 5'-GGCGGGCCACCTACGAGCGTGGCGTCAAGGTGCGCCTGCTCATCAGCTGCTGGGGACACT[C>T]GGAGCCATCCATGCGGGCCTTCCTGCTCTCTCTGGCTGCCCTGCGTGACAACCATACCCA-3'
Protein context (NP_036400.2, residues 360-380): VRLLISCWGH[Ser370Leu]EPSMRAFLLS